The following is an entry in ClinVar:

ClinVar aggregate classification (germline): Uncertain significance (1 of 4 stars; one submission).

Conditions:
Inborn genetic diseases. Identifiers: MedGen C0950123, MeSH D030342.

Submission:

Ambry Genetics
Classification: Uncertain significance for Inborn genetic diseases. Last evaluated: 2026-05-27. Review status: criteria provided, single submitter. Criteria: Ambry Variant Classification Scheme 2023. Collection method: clinical testing. Allele origin: germline.
Comment: The p.H734L variant (also known as c.2201A>T), located in coding exon 1 of the SAMD9 gene, results from an A to T substitution at nucleotide position 2201. The histidine at codon 734 is replaced by leucine, an amino acid with similar properties. This amino acid position is conserved. In addition, the in silico prediction for this alteration is inconclusive. Based on the available evidence, the clinical significance of this variant remains unclear.

NM_017654.4(SAMD9):c.2201A>T (p.His734Leu)

Gene: SAMD9 (sterile alpha motif domain containing 9; minus strand). Cytogenetic location: 7q21.2.
Variant type: single nucleotide variant.
Coding change: c.2201A>T on transcript NM_017654.4 (MANE Select); coding-DNA position 2201, A replaced by T.
Protein change: p.His734Leu; replaces histidine 734 with leucine.
Molecular consequence: missense variant.
Genome position (GRCh38, 1-based): chr7:93,103,897, T>A on the plus strand (A>T on the coding strand, the complement: SAMD9 is on the minus strand). VCF-style: chr7-93103897-T-A. GRCh37 (hg19) VCF-style: chr7-92733210-T-A.
Other names: c.2201A>T, p.His734Leu (NM_001193307.2); short protein forms H734L.
Identifiers: ClinVar variation 4863876 (VCV004863876.1).
Genomic context (GRCh38, chr7:93,103,897, plus strand): 5'-AGTTCCCAGAGAATGTGCATAGCCAAGGTAGTTCCCCCACAGCCTGGATGATGATACAGA[T>A]GAATAATTTTGGTACTTGTTGGTTTAGAAGAATCTGCACAGTTTTGAATCATTGCTTCAA-3'
Protein context (NP_060124.2, residues 724-744): SSKPTSTKII[His734Leu]LYHHPGCGGT